The following is an entry in ClinVar:

ClinVar aggregate classification (germline): Uncertain significance (1 of 4 stars; one submission).

Conditions:
Joubert syndrome 15 (JBTS15). Identifiers: Orphanet 475, MedGen C3280897, MONDO:0013763, OMIM 614464.

Submission:

Labcorp Genetics (formerly Invitae), Labcorp
Classification: Uncertain significance for Joubert syndrome 15. Last evaluated: 2025-04-28. Review status: criteria provided, single submitter. Criteria: Invitae Variant Classification Sherloc (09022015). Collection method: clinical testing. Allele origin: germline.
Comment: This sequence change replaces arginine, which is basic and polar, with proline, which is neutral and non-polar, at codon 360 of the CEP41 protein (p.Arg360Pro). This variant is present in population databases (no rsID available, gnomAD 0.0009%). This variant has not been reported in the literature in individuals affected with CEP41-related conditions. ClinVar contains an entry for this variant (Variation ID: 1444285). Invitae Evidence Modeling of protein sequence and biophysical properties (such as structural, functional, and spatial information, amino acid conservation, physicochemical variation, residue mobility, and thermodynamic stability) indicates that this missense variant is not expected to disrupt CEP41 protein function with a negative predictive value of 80%. In summary, the available evidence is currently insufficient to determine the role of this variant in disease. Therefore, it has been classified as a Variant of Uncertain Significance.

NM_018718.3(CEP41):c.1079G>C (p.Arg360Pro)

Gene: CEP41 (centrosomal protein 41; minus strand). Cytogenetic location: 7q32.2.
Variant type: single nucleotide variant.
Coding change: c.1079G>C on transcript NM_018718.3 (MANE Select); coding-DNA position 1079, G replaced by C.
Protein change: p.Arg360Pro; replaces arginine 360 with proline.
Molecular consequence: missense variant. On other transcripts: non-coding transcript variant (1).
Genome position (GRCh38, 1-based): chr7:130,398,934, C>G on the plus strand (G>C on the coding strand, the complement: CEP41 is on the minus strand). VCF-style: chr7-130398934-C-G. GRCh37 (hg19) VCF-style: chr7-130038775-C-G.
Other names: c.863G>C, p.Arg288Pro (NM_001257158.2); c.815G>C, p.Arg272Pro (NM_001257159.2); short protein forms R360P, R272P, R288P.
Identifiers: ClinVar variation 1444285 (VCV001444285.8), dbSNP rs781878740, ClinGen allele CA369286420.